The following is an entry in ClinVar:

ClinVar aggregate classification (germline): Uncertain significance (1 of 4 stars; one submission).

Conditions:
Long QT syndrome (LQTS). Identifiers: MedGen C0023976, MeSH D008133, MONDO:0002442. Disease mechanism: loss of function. Inheritance: Various modes of inheritance.

Submission:

Labcorp Genetics (formerly Invitae), Labcorp
Classification: Uncertain significance for Long QT syndrome. Last evaluated: 2023-10-14. Review status: criteria provided, single submitter. Criteria: Invitae Variant Classification Sherloc (09022015). Collection method: clinical testing. Allele origin: germline.
Comment: This sequence change replaces valine, which is neutral and non-polar, with alanine, which is neutral and non-polar, at codon 1595 of the AKAP9 protein (p.Val1595Ala). This variant is not present in population databases (gnomAD no frequency). This variant has not been reported in the literature in individuals affected with AKAP9-related conditions. An algorithm developed to predict the effect of missense changes on protein structure and function (PolyPhen-2) suggests that this variant is likely to be disruptive. In summary, the available evidence is currently insufficient to determine the role of this variant in disease. Therefore, it has been classified as a Variant of Uncertain Significance.

NM_005751.5(AKAP9):c.4784T>C (p.Val1595Ala)

Gene: AKAP9 (A-kinase anchoring protein 9; plus strand). Cytogenetic location: 7q21.2.
Variant type: single nucleotide variant.
Coding change: c.4784T>C on transcript NM_005751.5 (MANE Select); coding-DNA position 4784, T replaced by C.
Protein change: p.Val1595Ala; replaces valine 1595 with alanine.
Molecular consequence: missense variant.
Genome position (GRCh38, 1-based): chr7:92,040,765, T>C. VCF-style: chr7-92040765-T-C. GRCh37 (hg19) VCF-style: chr7-91670079-T-C.
Other names: c.4784T>C, p.Val1595Ala (NM_147185.3); short protein forms V1595A.
Identifiers: ClinVar variation 2844178 (VCV002844178.3), dbSNP rs981582319, ClinGen allele CA161896949.